The following is an entry in ClinVar:

NM_004360.5(CDH1):c.2165-8C>A

Gene: CDH1 (cadherin 1; plus strand). Cytogenetic location: 16q22.1.
Variant type: single nucleotide variant.
Coding change: c.2165-8C>A on transcript NM_004360.5 (MANE Select); 8 bases into the intron before coding-DNA position 2165, C replaced by A.
Molecular consequence: intron variant.
Genome position (GRCh38, 1-based): chr16:68,828,166, C>A. VCF-style: chr16-68828166-C-A. GRCh37 (hg19) VCF-style: chr16-68862069-C-A.
Other names: c.2165-8C>A (LRG_301t1); c.617-8C>A (NM_001317185.2); c.200-8C>A (NM_001317186.2); c.1982-8C>A (NM_001317184.2).
Identifiers: ClinVar variation 463744 (VCV000463744.16), dbSNP rs1555517633, ClinGen allele CA658658497.

ClinVar aggregate classification (germline): Conflicting classifications of pathogenicity. Review status: criteria provided, conflicting classifications (1 of 4 stars). 2 submissions from 2 submitters: Uncertain significance (1); Likely benign (1). Last evaluated 2025-12-22.

Conditions:
Hereditary cancer-predisposing syndrome. Also called: Hereditary neoplastic syndrome; Neoplastic Syndromes, Hereditary; Tumor predisposition; Hereditary Cancer Syndrome. Identifiers: Orphanet 140162, MedGen C0027672, MeSH D009386, MONDO:0015356.
Hereditary diffuse gastric adenocarcinoma (HDGC). Also called: DIFFUSE GASTRIC AND LOBULAR BREAST CANCER SYNDROME. Identifiers: Orphanet 26106, MedGen C1708349, MONDO:0007648, OMIM 137215.

Allele frequency attached by ClinVar (database versions not stated): gnomAD exomes below 0.00001.
gnomAD v4.1: 1 of 1,613,678 alleles (0.000062%); highest among the groups gnomAD compares: Admixed American, 0.0017%; no homozygotes.

Submissions (2):

Labcorp Genetics (formerly Invitae), Labcorp
Classification: Likely benign for Hereditary diffuse gastric adenocarcinoma. Last evaluated: 2025-12-22. Review status: criteria provided, single submitter. Criteria: Invitae Variant Classification Sherloc (09022015). Collection method: clinical testing. Allele origin: germline.

Color Diagnostics, LLC DBA Color Health
Classification: Uncertain significance for Hereditary cancer-predisposing syndrome. Last evaluated: 2021-10-26. Review status: criteria provided, single submitter. Criteria: ACMG Guidelines, 2015. Collection method: clinical testing. Allele origin: germline.
Comment: This variant causes a C to A nucleotide substitution at the -8 position of intron 13 of the CDH1 gene. To our knowledge, RNA functional studies have not been reported for this variant. This variant has not been reported in individuals affected with hereditary cancer in the literature. This variant has not been identified in the general population by the Genome Aggregation Database (gnomAD). The available evidence is insufficient to determine the role of this variant in disease conclusively. Therefore, this variant is classified as a Variant of Uncertain Significance.